The following is an entry in ClinVar:

NM_005188.4(CBL):c.*6008T>C

Gene: CBL (Cbl proto-oncogene; plus strand). Cytogenetic location: 11q23.3.
Variant type: single nucleotide variant.
Coding change: c.*6008T>C on transcript NM_005188.4 (MANE Select); 6008 bases downstream of the stop codon, T replaced by C.
Molecular consequence: 3 prime UTR variant.
Genome position (GRCh38, 1-based): chr11:119,305,789, T>C. VCF-style: chr11-119305789-T-C. GRCh37 (hg19) VCF-style: chr11-119176499-T-C.
Identifiers: ClinVar variation 302879 (VCV000302879.6), dbSNP rs3829261, ClinGen allele CA10633731.

ClinVar aggregate classification (germline): Benign. Review status: criteria provided, multiple submitters, no conflicts (2 of 4 stars). 2 submissions from 2 submitters: Benign (2). Last evaluated 2018-01-12.

Conditions:
CBL-related disorder. Also called: NOONAN SYNDROME-LIKE DISORDER WITHOUT JUVENILE MYELOMONOCYTIC LEUKEMIA; CBL MUTATION-ASSOCIATED SYNDROME; CBL SYNDROME. Identifiers: Orphanet 363972, MedGen C3150803, MONDO:0013308, OMIM 613563.

Allele frequency attached by ClinVar (database versions not stated): gnomAD exomes 0.04905; 1000 Genomes Project 0.06070; gnomAD 0.06073 and 0.06150; 1000 Genomes Project 30x 0.06106; TOPMed 0.06223.
gnomAD v4.1: 13,004 of 228,998 alleles (5.7%); highest among the groups gnomAD compares: African/African-American, 10%; 446 homozygotes.

Submissions (2):

Illumina Laboratory Services, Illumina
Classification: Benign for CBL-related disorder. Last evaluated: 2018-01-12. Review status: criteria provided, single submitter. Criteria: ICSL Variant Classification Criteria 13 December 2019. Collection method: clinical testing. Allele origin: germline.
Comment: This variant was observed in the ICSL laboratory as part of a predisposition screen in an ostensibly healthy population. It had not been previously curated by ICSL or reported in the Human Gene Mutation Database (HGMD: prior to June 1st, 2018), and was therefore a candidate for classification through an automated scoring system. Utilizing variant allele frequency, disease prevalence and penetrance estimates, and inheritance mode, an automated score was calculated to assess if this variant is too frequent to cause the disease. Based on the score and internal cut-off values, a variant classified as benign is not then subjected to further curation. The score for this variant resulted in a classification of benign for this disease.

Breakthrough Genomics
Classification: Benign. Review status: criteria provided, single submitter. Criteria: ACMG Guidelines, 2015. Collection method: not provided. Allele origin: germline. Inheritance: Autosomal dominant inheritance. Affected: yes.